The following is an entry in ClinVar:

NM_001330588.2(TPP2):c.3274G>A (p.Ala1092Thr)

Gene: TPP2 (tripeptidyl peptidase 2; plus strand). Cytogenetic location: 13q33.1.
Variant type: single nucleotide variant.
Coding change: c.3274G>A on transcript NM_001330588.2 (MANE Select); coding-DNA position 3274, G replaced by A.
Protein change: p.Ala1092Thr; replaces alanine 1092 with threonine.
Molecular consequence: missense variant. On other transcripts: non-coding transcript variant (1).
Genome position (GRCh38, 1-based): chr13:102,664,828, G>A. VCF-style: chr13-102664828-G-A. GRCh37 (hg19) VCF-style: chr13-103317178-G-A.
Other names: c.3235G>A, p.Ala1079Thr (NM_001367947.1, NM_003291.4); short protein forms A1079T, A1092T.
Identifiers: ClinVar variation 1966397 (VCV001966397.2), dbSNP rs1473990582, ClinGen allele CA388507900.

ClinVar aggregate classification (germline): Uncertain significance (1 of 4 stars; one submission).

Conditions:
Evans syndrome, immunodeficiency, and premature immunosenescence associated with tripeptidyl-peptidase II deficiency. Identifiers: MedGen CN231723. Disease mechanism: loss of function.

Allele frequency attached by ClinVar (database versions not stated): gnomAD exomes below 0.00001; TOPMed below 0.00001.
gnomAD v4.1: 6 of 1,613,324 alleles (0.00037%); highest among the groups gnomAD compares: Non-Finnish European, 0.00051%; no homozygotes.

Submission:

Labcorp Genetics (formerly Invitae), Labcorp
Classification: Uncertain significance for Evans syndrome, immunodeficiency, and premature immunosenescence associated with tripeptidyl-peptidase II deficiency. Last evaluated: 2022-06-29. Review status: criteria provided, single submitter. Criteria: Invitae Variant Classification Sherloc (09022015). Collection method: clinical testing. Allele origin: germline.
Comment: This sequence change replaces alanine, which is neutral and non-polar, with threonine, which is neutral and polar, at codon 1079 of the TPP2 protein (p.Ala1079Thr). This variant is present in population databases (no rsID available, gnomAD 0.0009%). This variant has not been reported in the literature in individuals affected with TPP2-related conditions. Algorithms developed to predict the effect of missense changes on protein structure and function are either unavailable or do not agree on the potential impact of this missense change (SIFT: "Tolerated"; PolyPhen-2: "Possibly Damaging"; Align-GVGD: "Class C0"). In summary, the available evidence is currently insufficient to determine the role of this variant in disease. Therefore, it has been classified as a Variant of Uncertain Significance.